The following is an entry in ClinVar:

ClinVar aggregate classification (germline): Uncertain significance (1 of 4 stars; one submission).

Conditions:
Inborn genetic diseases. Identifiers: MedGen C0950123, MeSH D030342.

Submission:

Ambry Genetics
Classification: Uncertain significance for Inborn genetic diseases. Last evaluated: 2025-09-29. Review status: criteria provided, single submitter. Criteria: Ambry Variant Classification Scheme 2023. Collection method: clinical testing. Allele origin: germline.
Comment: The p.E950Q variant (also known as c.2848G>C), located in coding exon 29 of the FANCA gene, results from a G to C substitution at nucleotide position 2848. The glutamic acid at codon 950 is replaced by glutamine, an amino acid with highly similar properties. This amino acid position is conserved. In addition, the in silico prediction for this alteration is inconclusive. Based on the available evidence, the clinical significance of this variant remains unclear.

NM_000135.4(FANCA):c.2848G>C (p.Glu950Gln)

Gene: FANCA (FA complementation group A; minus strand). Cytogenetic location: 16q24.3.
Variant type: single nucleotide variant.
Coding change: c.2848G>C on transcript NM_000135.4 (MANE Select); coding-DNA position 2848, G replaced by C.
Protein change: p.Glu950Gln; replaces glutamic acid 950 with glutamine.
Molecular consequence: missense variant.
Genome position (GRCh38, 1-based): chr16:89,761,953, C>G on the plus strand (G>C on the coding strand, the complement: FANCA is on the minus strand). VCF-style: chr16-89761953-C-G. GRCh37 (hg19) VCF-style: chr16-89828361-C-G.
Other names: c.2848G>C, p.Glu950Gln (NM_001286167.3); short protein forms E950Q.
Identifiers: ClinVar variation 4619181 (VCV004619181.1).
Genomic context (GRCh38, chr16:89,761,953, plus strand): 5'-GGGATTATAGGTGTGAGCCATCATGCCTGGCCAGGGTAGCTCTTTTCAACACTTACCGTT[C>G]AGTATCTGAAAGAGCATCAGCTTCAGGTTGAATTTCCAGCTCCAGGTGTAACCAGTCTTG-3'
Protein context (NP_000126.2, residues 940-960): QPEADALSDT[Glu950Gln]RQDFHQWAIH